The following is an entry in ClinVar:

NM_001429.4(EP300):c.3836G>A (p.Ser1279Asn)

Gene: EP300 (E1A binding protein p300; plus strand). Cytogenetic location: 22q13.2.
Variant type: single nucleotide variant.
Coding change: c.3836G>A on transcript NM_001429.4 (MANE Select); coding-DNA position 3836, G replaced by A.
Protein change: p.Ser1279Asn; replaces serine 1279 with asparagine.
Molecular consequence: missense variant.
Genome position (GRCh38, 1-based): chr22:41,166,628, G>A. VCF-style: chr22-41166628-G-A. GRCh37 (hg19) VCF-style: chr22-41562632-G-A.
Other names: c.3758G>A, p.Ser1253Asn (NM_001362843.2); short protein forms S1253N, S1279N.
Identifiers: ClinVar variation 3344965 (VCV003344965.1).

ClinVar aggregate classification (germline): Uncertain significance (0 of 4 stars; one submission).

Conditions:
EP300-related disorder. Also called: EP300-related condition; EP300-related disorders.

gnomAD v4.1: 4 of 1,612,870 alleles (0.00025%); highest among the groups gnomAD compares: African/African-American, 0.0013%; no homozygotes.

Submission:

PreventionGenetics, part of Exact Sciences
Classification: Uncertain significance for EP300-related condition. Last evaluated: 2024-07-26. Review status: no assertion criteria provided. Collection method: clinical testing. Allele origin: germline.
Comment: The EP300 c.3836G>A variant is predicted to result in the amino acid substitution p.Ser1279Asn. To our knowledge, this variant has not been reported in the literature or in a large population database, indicating this variant is rare. At this time, the clinical significance of this variant is uncertain due to the absence of conclusive functional and genetic evidence.